The following is an entry in ClinVar:

ClinVar aggregate classification (germline): Pathogenic (1 of 4 stars; one submission).

Conditions:
CHARGE syndrome (CHARGE). Also called: Hittner Hirsch Kreh syndrome; CHARGE ASSOCIATION--COLOBOMA, HEART ANOMALY, CHOANAL ATRESIA, RETARDATION, GENITAL AND EAR ANOMALIES; Coloboma, heart anomaly, choanal atresia, retardation, genital and ear anomalies; CHARGE association; Hall-Hittner syndrome. Identifiers: Orphanet 138, MedGen C0265354, MONDO:0008965.

Submission:

Labcorp Genetics (formerly Invitae), Labcorp
Classification: Pathogenic for CHARGE syndrome. Last evaluated: 2020-07-24. Review status: criteria provided, single submitter. Criteria: Invitae Variant Classification Sherloc (09022015). Collection method: clinical testing. Allele origin: germline.
Comment: For these reasons, this variant has been classified as Pathogenic. Loss-of-function variants in CHD7 are known to be pathogenic (PMID: 22461308, 25077900). This variant has not been reported in the literature in individuals with CHD7-related conditions. This variant is not present in population databases (ExAC no frequency). This sequence change creates a premature translational stop signal (p.Gln1454*) in the CHD7 gene. It is expected to result in an absent or disrupted protein product.

Literature cited by the submitters: PubMed 22461308; PubMed 25077900.

NM_017780.4(CHD7):c.4360C>T (p.Gln1454Ter)

Gene: CHD7 (chromodomain helicase DNA binding protein 7; plus strand). Cytogenetic location: 8q12.2.
Variant type: single nucleotide variant.
Coding change: c.4360C>T on transcript NM_017780.4 (MANE Select); coding-DNA position 4360, C replaced by T.
Protein change: p.Gln1454Ter; replaces glutamine 1454 with a stop codon.
Molecular consequence: nonsense. On other transcripts: intron variant (1).
Genome position (GRCh38, 1-based): chr8:60,838,082, C>T. VCF-style: chr8-60838082-C-T. GRCh37 (hg19) VCF-style: chr8-61750641-C-T.
Other names: c.1717-24147C>T (NM_001316690.1); short protein forms Q1454*.
Identifiers: ClinVar variation 1070565 (VCV001070565.7), dbSNP rs2150779267, ClinGen allele CA371318053.